The following is an entry in ClinVar:

NM_001352514.2(HLCS):c.1091T>A (p.Leu364Ter)

Gene: HLCS (holocarboxylase synthetase; minus strand). Cytogenetic location: 21q22.13.
Variant type: single nucleotide variant.
Coding change: c.1091T>A on transcript NM_001352514.2 (MANE Select); coding-DNA position 1091, T replaced by A.
Protein change: p.Leu364Ter; replaces leucine 364 with a stop codon.
Molecular consequence: nonsense. On other transcripts: non-coding transcript variant (2).
Genome position (GRCh38, 1-based): chr21:36,936,795, A>T on the plus strand (T>A on the coding strand, the complement: HLCS is on the minus strand). VCF-style: chr21-36936795-A-T. GRCh37 (hg19) VCF-style: chr21-38309095-A-T.
Other names: c.650T>A, p.Leu217Ter (NM_000411.8, NM_001242784.3, NM_001242785.2 and 4 more transcripts); short protein forms L217*, L364*.
Identifiers: ClinVar variation 2862015 (VCV002862015.3), dbSNP rs2517578279, ClinGen allele CA409912596.

ClinVar aggregate classification (germline): Pathogenic (1 of 4 stars; one submission).

Conditions:
Holocarboxylase synthetase deficiency. Also called: MULTIPLE CARBOXYLASE DEFICIENCY, EARLY ONSET. Identifiers: Orphanet 79242, MedGen C0268581, MONDO:0009666, OMIM 253270.

Submission:

Labcorp Genetics (formerly Invitae), Labcorp
Classification: Pathogenic for Holocarboxylase synthetase deficiency. Last evaluated: 2023-05-05. Review status: criteria provided, single submitter. Criteria: Invitae Variant Classification Sherloc (09022015). Collection method: clinical testing. Allele origin: germline.
Comment: For these reasons, this variant has been classified as Pathogenic. Algorithms developed to predict the effect of sequence changes on RNA splicing suggest that this variant may create or strengthen a splice site. This variant has not been reported in the literature in individuals affected with HLCS-related conditions. This variant is not present in population databases (gnomAD no frequency). This sequence change creates a premature translational stop signal (p.Leu217*) in the HLCS gene. It is expected to result in an absent or disrupted protein product. Loss-of-function variants in HLCS are known to be pathogenic (PMID: 16134170).

Literature cited by the submitters: PubMed 16134170.